The following continues an entry in ClinVar:

NM_000159.4(GCDH):c.680G>C (p.Arg227Pro)

Gene: GCDH. ClinVar aggregate classification (germline): Pathogenic. Pathogenic (17).

Submissions 14 to 19 of 19:

Illumina Laboratory Services, Illumina
Classification: Pathogenic for Glutaric aciduria, type 1. Last evaluated: 2017-11-29. Review status: criteria provided, single submitter. Criteria: ICSL Variant Classification Criteria 09 May 2019. Collection method: clinical testing. Allele origin: germline.
Comment: The GCDH c.680G>C (p.Arg227Pro) variant has been identified in at least 20 individuals with glutaric acidemia, including in a homozygous state in two individuals and in a compound heterozygous state in 18 individuals (Biery et al. 1996; Christensen et al. 1997; Busquets et al. 2000a; Busquets et al. 2000b; Zschocke et al. 2000; Bijarnia et al. 2008; Flamand-Rouviere et al. 2010; Couce et al. 2013). The p.Arg227Pro variant was absent from 400 controls but is reported at a frequency of 0.00026 in the Latino population of the Exome Aggregation Consortium. Functional studies demonstrated that p.Arg227Pro variant is associated with low residual activity of glutaryl-CoA dehydrogenase (GCDH) compared to wildtype (Biery et al. 1996; Christensen et al. 1997; Liesert et al. 1999; Bijarnia et al. 2008; Flamand-Rouviere et al. 2010). Additionally, the p.Arg227Pro variant was associated with atypical excretion of glutarate and 3-hydroxygluaratein urine analysis (Busquet et al. 2000a; Busquet et al. 2000b; Zschocke et al. 2000; Couce et al. 2013). Based on the collective evidence, the p.Arg227Pro variant is classified as pathogenic for glutaric acidemia. This variant was observed by ICSL as part of a predisposition screen in an ostensibly healthy population.

Women's Health and Genetics/Laboratory Corporation of America, LabCorp
Classification: Pathogenic for Glutaric aciduria, type 1. Last evaluated: 2017-08-02. Review status: criteria provided, single submitter. Criteria: LabCorp Variant Classification Summary - May 2015. Collection method: clinical testing. Allele origin: germline.
Comment: Variant summary: The GCDH c.680G>C (p.Arg227Pro) variant, located in the beta-sandwich in close proximity to FAD, involves the alteration of a non-conserved nucleotide and 4/5 in silico tools predict a damaging outcome. A functional study, Biery_1996, supports these predictions with the observed significant decrease in GCDH activity. This variant was found in 21/121390 control chromosomes at a frequency of 0.000173, which does not exceed the estimated maximal expected allele frequency of a pathogenic GCDH variant (0.0035355). Multiple publications have reported this variant in affected individuals presenting with mild to severe phenotypes, including two affected siblings. In addition, multiple clinical diagnostic laboratories/reputable databases classified this variant as "likely pathogenic/pathogenic." Taken together, this variant is classified as pathogenic.

Eurofins Ntd Llc (ga)
Classification: Pathogenic. Last evaluated: 2012-09-07. Review status: criteria provided, single submitter. Criteria: EGL Classification Definitions. Collection method: clinical testing. Allele origin: germline. Observed: 4 variant alleles, 4 heterozygotes.

Clinical Genetics Service, Universitary Hospital 12 de Octubre
Classification: Pathogenic for Glutaric aciduria, type 1. Review status: criteria provided, single submitter. Criteria: ACMG Guidelines, 2015. Collection method: clinical testing. Allele origin: maternal. Affected: yes.

OMIM
Classification: Pathogenic for GLUTARIC ACIDEMIA I. Last evaluated: 1996-11-01. Review status: no assertion criteria provided. Collection method: literature only. Allele origin: germline. Not counted in ClinVar's aggregate classification.

GeneReviews
No classification provided. Condition: Glutaric aciduria, type 1. Review status: no classification provided. Collection method: literature only. Allele origin: germline. Not counted in ClinVar's aggregate classification.
Comment: Low-excreter; 85%-10% residual activity

Literature cited by the submitters: PubMed 8900227 (cited by 7 submitters); PubMed 28438223 (cited by Dasa and Labcorp Genetics (formerly Invitae), Labcorp); PubMed 10066389 (cited by 3 submitters); PubMed 23395213 (cited by 4 submitters); PubMed 28062662 (cited by Dasa); PubMed 8438223 (cited by Dasa); PubMed 9266361 (cited by 4 submitters); PubMed 10960496 (cited by 5 submitters); PubMed 11073722 (cited by Labcorp Genetics (formerly Invitae), Labcorp and Illumina Laboratory Services, Illumina); PubMed 22728054 (cited by Labcorp Genetics (formerly Invitae), Labcorp and Myriad Genetics, Inc.); PubMed 35822093 (cited by Variantyx, Inc.); PubMed 9600243 (cited by Variantyx, Inc.); PubMed 15505393 (cited by Natera, Inc. and GeneReviews); PubMed 10384381 (cited by Myriad Genetics, Inc. and Illumina Laboratory Services, Illumina); PubMed 29665094 (cited by Myriad Genetics, Inc.); PubMed 11015709 (cited by Myriad Genetics, Inc.); PubMed 30570710 (cited by Myriad Genetics, Inc.); PubMed 12872844 (cited by Myriad Genetics, Inc.); PubMed 10699052 (cited by Illumina Laboratory Services, Illumina); PubMed 18683078 (cited by Illumina Laboratory Services, Illumina); PubMed 20629163 (cited by Illumina Laboratory Services, Illumina); PubMed 31536184 (cited by GeneReviews).